The following is an entry in ClinVar:

NM_001845.6(COL4A1):c.3088A>G (p.Ile1030Val)

Gene: COL4A1 (collagen type IV alpha 1 chain; minus strand). Cytogenetic location: 13q34.
Variant type: single nucleotide variant.
Coding change: c.3088A>G on transcript NM_001845.6 (MANE Select); coding-DNA position 3088, A replaced by G.
Protein change: p.Ile1030Val; replaces isoleucine 1030 with valine.
Molecular consequence: missense variant.
Genome position (GRCh38, 1-based): chr13:110,175,328, T>C on the plus strand (A>G on the coding strand, the complement: COL4A1 is on the minus strand). VCF-style: chr13-110175328-T-C. GRCh37 (hg19) VCF-style: chr13-110827675-T-C.
Other names: short protein forms I1030V.
Identifiers: ClinVar variation 2792506 (VCV002792506.3), dbSNP rs1003525454, ClinGen allele CA256254307.

ClinVar aggregate classification (germline): Uncertain significance (1 of 4 stars; one submission).

Allele frequency attached by ClinVar (database versions not stated): gnomAD 0.00001; TOPMed 0.00001.
gnomAD v4.1: 1 of 1,614,124 alleles (0.000062%); highest among the groups gnomAD compares: African/African-American, 0.0013%; no homozygotes.

Submission:

Labcorp Genetics (formerly Invitae), Labcorp
Classification: Uncertain significance. Last evaluated: 2023-11-02. Review status: criteria provided, single submitter. Criteria: Invitae Variant Classification Sherloc (09022015). Collection method: clinical testing. Allele origin: germline.
Comment: This sequence change replaces isoleucine, which is neutral and non-polar, with valine, which is neutral and non-polar, at codon 1030 of the COL4A1 protein (p.Ile1030Val). This variant is not present in population databases (gnomAD no frequency). This variant has not been reported in the literature in individuals affected with COL4A1-related conditions. An algorithm developed to predict the effect of missense changes on protein structure and function (PolyPhen-2) suggests that this variant is likely to be tolerated. In summary, the available evidence is currently insufficient to determine the role of this variant in disease. Therefore, it has been classified as a Variant of Uncertain Significance.